The following is an entry in ClinVar:

ClinVar aggregate classification (germline): Uncertain significance. Review status: criteria provided, multiple submitters, no conflicts (2 of 4 stars). 2 submissions from 2 submitters: Uncertain significance (2). Last evaluated 2025-01-27.

Conditions:
Inborn genetic diseases. Identifiers: MedGen C0950123, MeSH D030342.

Allele frequency attached by ClinVar (database versions not stated): gnomAD exomes 0.00001 and 0.00002; ExAC 0.00002; gnomAD 0.00002; TOPMed 0.00002.
gnomAD v4.1: 20 of 1,613,776 alleles (0.0012%); highest among the groups gnomAD compares: African/African-American, 0.004%; no homozygotes.

Submissions (2):

Ambry Genetics
Classification: Uncertain significance for Inborn genetic diseases. Last evaluated: 2025-01-27. Review status: criteria provided, single submitter. Criteria: Ambry Variant Classification Scheme 2023. Collection method: clinical testing. Allele origin: germline.

Labcorp Genetics (formerly Invitae), Labcorp
Classification: Uncertain significance. Last evaluated: 2024-05-15. Review status: criteria provided, single submitter. Criteria: Invitae Variant Classification Sherloc (09022015). Collection method: clinical testing. Allele origin: germline.
Comment: This sequence change replaces glycine, which is neutral and non-polar, with serine, which is neutral and polar, at codon 160 of the COL18A1 protein (p.Gly160Ser). This variant is present in population databases (rs769705694, gnomAD 0.007%). This variant has not been reported in the literature in individuals affected with COL18A1-related conditions. ClinVar contains an entry for this variant (Variation ID: 1514207). Experimental studies and prediction algorithms are not available or were not evaluated, and the functional significance of this variant is currently unknown. In summary, the available evidence is currently insufficient to determine the role of this variant in disease. Therefore, it has been classified as a Variant of Uncertain Significance.

NM_001379500.1(COL18A1):c.478G>A (p.Gly160Ser)

Gene: COL18A1 (collagen type XVIII alpha 1 chain; plus strand). Cytogenetic location: 21q22.3.
Variant type: single nucleotide variant.
Coding change: c.478G>A on transcript NM_001379500.1 (MANE Select); coding-DNA position 478, G replaced by A.
Protein change: p.Gly160Ser; replaces glycine 160 with serine.
Molecular consequence: missense variant.
Genome position (GRCh38, 1-based): chr21:45,468,613, G>A. VCF-style: chr21-45468613-G-A. GRCh37 (hg19) VCF-style: chr21-46888527-G-A.
Other names: NM_130445.2:c.478G>A; c.1018G>A, p.Gly340Ser (NM_030582.4); c.1723G>A, p.Gly575Ser (NM_130444.3); short protein forms G160S, G340S, G575S.
Identifiers: ClinVar variation 1514207 (VCV001514207.7), dbSNP rs769705694, ClinGen allele CA10065760.